The following is an entry in ClinVar:

ClinVar aggregate classification (germline): Uncertain significance. Review status: criteria provided, single submitter (1 of 4 stars). 2 submissions from 2 submitters: Uncertain significance (1). 1 of the submissions does not count toward it. Last evaluated 2022-12-02.

Conditions:
DMAP1-associated disorder.
INTELLECTUAL DEVELOPMENTAL DISORDER, AUTOSOMAL RECESSIVE 86 (MRT86). Identifiers: MedGen CN382545, OMIM 621738.

Allele frequency attached by ClinVar (database versions not stated): TOPMed below 0.00001; ExAC 0.00002.
gnomAD v4.1: 18 of 1,612,120 alleles (0.0011%); highest among the groups gnomAD compares: Admixed American, 0.0017%; no homozygotes.

Submissions (2):

Institute of Human Genetics, University of Leipzig Medical Center
Classification: Uncertain significance for DMAP1-associated disorder. Last evaluated: 2022-12-02. Review status: criteria provided, single submitter. Criteria: ACMG Guidelines, 2015. Collection method: clinical testing. Allele origin: paternal. Affected: yes.
Comment: Criteria applied: PM2_SUP,PP3

OMIM
Classification: Pathogenic for INTELLECTUAL DEVELOPMENTAL DISORDER, AUTOSOMAL RECESSIVE 86. Last evaluated: 2026-10-13. Review status: no assertion criteria provided. Collection method: literature only. Allele origin: germline. Not counted in ClinVar's aggregate classification.

Literature cited by the submitters: PubMed 42275155 (cited by OMIM).

NM_019100.5(DMAP1):c.581G>A (p.Arg194Gln)

Gene: DMAP1 (DNA methyltransferase 1 associated protein 1; plus strand). Cytogenetic location: 1p34.1.
Variant type: single nucleotide variant.
Coding change: c.581G>A on transcript NM_019100.5 (MANE Select); coding-DNA position 581, G replaced by A.
Protein change: p.Arg194Gln; replaces arginine 194 with glutamine.
Molecular consequence: missense variant.
Genome position (GRCh38, 1-based): chr1:44,218,616, G>A. VCF-style: chr1-44218616-G-A. GRCh37 (hg19) VCF-style: chr1-44684288-G-A.
Other names: c.581G>A, p.Arg194Gln (NM_001034023.2, NM_001034024.2); short protein forms R194Q.
Identifiers: ClinVar variation 3068492 (VCV003068492.3), dbSNP rs761415756, ClinGen allele CA818607.